The following is an entry in ClinVar:

NM_001849.4(COL6A2):c.970G>A (p.Ala324Thr)

Gene: COL6A2 (collagen type VI alpha 2 chain; plus strand). Cytogenetic location: 21q22.3.
Variant type: single nucleotide variant.
Coding change: c.970G>A on transcript NM_001849.4 (MANE Select); coding-DNA position 970, G replaced by A.
Protein change: p.Ala324Thr; replaces alanine 324 with threonine.
Molecular consequence: missense variant.
Genome position (GRCh38, 1-based): chr21:46,116,785, G>A. VCF-style: chr21-46116785-G-A. GRCh37 (hg19) VCF-style: chr21-47536699-G-A.
Other names: c.970G>A, p.Ala324Thr (NM_058174.3, NM_058175.3); short protein forms A324T.
Identifiers: ClinVar variation 1718473 (VCV001718473.6), dbSNP rs2516997156, ClinGen allele CA410527221.

ClinVar aggregate classification (germline): Uncertain significance (1 of 4 stars; one submission).

Conditions:
Bethlem myopathy 1A. Also called: MYOPATHY, BENIGN CONGENITAL, WITH CONTRACTURES; Bethlem Muscular Dystrophy; Bethlem myopathy 1. Identifiers: Orphanet 610, MedGen CN029274, MONDO:0024530, OMIM 158810.

Submission:

Labcorp Genetics (formerly Invitae), Labcorp
Classification: Uncertain significance for Bethlem myopathy 1A. Last evaluated: 2022-10-20. Review status: criteria provided, single submitter. Criteria: Invitae Variant Classification Sherloc (09022015). Collection method: clinical testing. Allele origin: germline.
Comment: This sequence change replaces alanine, which is neutral and non-polar, with threonine, which is neutral and polar, at codon 324 of the COL6A2 protein (p.Ala324Thr). This variant is not present in population databases (gnomAD no frequency). In summary, the available evidence is currently insufficient to determine the role of this variant in disease. Therefore, it has been classified as a Variant of Uncertain Significance. Advanced modeling of protein sequence and biophysical properties (such as structural, functional, and spatial information, amino acid conservation, physicochemical variation, residue mobility, and thermodynamic stability) performed at Invitae indicates that this missense variant is not expected to disrupt COL6A2 protein function. This variant has not been reported in the literature in individuals affected with COL6A2-related conditions.